The following is an entry in ClinVar:

NM_004100.5(EYA4):c.243del (p.Trp81fs)

Gene: EYA4 (EYA transcriptional coactivator and phosphatase 4; plus strand). Cytogenetic location: 6q23.2.
Variant type: Deletion.
Coding change: c.243del on transcript NM_004100.5 (MANE Select); coding-DNA position 243, one base deleted (G; older notation c.243delG).
Protein change: p.Trp81fs; shifts the reading frame from tryptophan 81.
Molecular consequence: frameshift variant. On other transcripts: intron variant (4).
Genome position (GRCh38, 1-based): chr6:133,448,145, G deleted; the last of 2 consecutive G bases (chr6:133,448,144-133,448,145); deleting either gives the same sequence. VCF-style (leftmost placement, unchanged base first): chr6-133448143-TG-T. GRCh37 (hg19) VCF-style: chr6-133769281-TG-T.
Other names: c.243del, p.Trp81fs (NM_001301013.2, NM_172105.4); c.208+1391del (NM_001370458.1, NM_172103.4, NM_001370459.1 and 1 more transcripts); short protein forms W81fs.
Identifiers: ClinVar variation 3632752 (VCV003632752.3).

ClinVar aggregate classification (germline): Pathogenic/Likely pathogenic. Review status: criteria provided, multiple submitters, no conflicts (2 of 4 stars). 2 submissions from 2 submitters: Pathogenic (1); Likely pathogenic (1). Last evaluated 2025-07-15.

Conditions:
Dilated cardiomyopathy 1J (CMD1J). Also called: CARDIOMYOPATHY, DILATED, WITH SENSORINEURAL HEARING LOSS, AUTOSOMAL DOMINANT. Identifiers: Orphanet 217622, MedGen C1854368, MONDO:0011541, OMIM 605362.
Autosomal dominant nonsyndromic hearing loss 10. Identifiers: Orphanet 90635, MedGen C1832476, MONDO:0011031, OMIM 601316.

Submissions (2):

Institute of Immunology and Genetics Kaiserslautern
Classification: Likely pathogenic for Dilated cardiomyopathy 1J; Autosomal dominant nonsyndromic hearing loss 10. Last evaluated: 2025-07-15. Review status: criteria provided, single submitter. Criteria: ACMG Guidelines, 2015. Collection method: clinical testing. Allele origin: maternal.
Comment: ACMG Criteria: PVS1, PM2; Variant was found in heterozygous state.

Labcorp Genetics (formerly Invitae), Labcorp
Classification: Pathogenic for Dilated cardiomyopathy 1J. Last evaluated: 2024-12-10. Review status: criteria provided, single submitter. Criteria: Invitae Variant Classification Sherloc (09022015). Collection method: clinical testing. Allele origin: germline.
Comment: This sequence change creates a premature translational stop signal (p.Trp81Cysfs*3) in the EYA4 gene. It is expected to result in an absent or disrupted protein product. Loss-of-function variants in EYA4 are known to be pathogenic (PMID: 11159937, 25781927, 25963406). This variant is not present in population databases (gnomAD no frequency). This variant has not been reported in the literature in individuals affected with EYA4-related conditions. For these reasons, this variant has been classified as Pathogenic.

Literature cited by the submitters: PubMed 11159937 (cited by Labcorp Genetics (formerly Invitae), Labcorp); PubMed 25781927 (cited by Labcorp Genetics (formerly Invitae), Labcorp); PubMed 25963406 (cited by Labcorp Genetics (formerly Invitae), Labcorp).